The following is an entry in ClinVar:

ClinVar aggregate classification (germline): Conflicting classifications of pathogenicity. Review status: criteria provided, conflicting classifications (1 of 4 stars). 11 submissions from 11 submitters: Pathogenic (1); Likely pathogenic (5); Uncertain significance (3). 2 of the submissions do not count toward it. Last evaluated 2025-12-03.

Conditions:
Cardiovascular phenotype. Identifiers: MedGen CN230736.
Hypertrophic cardiomyopathy 3. Also called: TPM1-Related Familial Hypertrophic Cardiomyopathy. Identifiers: MedGen C1861863, MONDO:0007267, OMIM 115196.
Dilated cardiomyopathy 1Y (CMD1Y). Identifiers: Orphanet 154, Orphanet 54260, MedGen C2678476, MONDO:0012744, OMIM 611878.
Primary dilated cardiomyopathy (DCM). Also called: Dilated Cardiomyopathy. Identifiers: Orphanet 217604, MedGen C0007193, MeSH D002311, MONDO:0005021, HP:0001644. Inheritance: Various modes of inheritance.
Hypertrophic cardiomyopathy. Also called: HYPERTROPHIC MYOCARDIOPATHY. Identifiers: Orphanet 217569, MedGen C0007194, MeSH D002312, MONDO:0005045, HP:0001639.

Allele frequency attached by ClinVar (database versions not stated): gnomAD exomes below 0.00001.
gnomAD v4.1: 1 of 1,614,130 alleles (0.000062%); highest among the groups gnomAD compares: Non-Finnish European, 0.000085%; no homozygotes.

Submissions (11):

3billion
Classification: Likely pathogenic for Hypertrophic cardiomyopathy 3. Last evaluated: 2025-12-03. Review status: criteria provided, single submitter. Criteria: ACMG Guidelines, 2015. Collection method: clinical testing. Allele origin: germline. Affected: yes.
Comment: The variant is observed at an extremely low frequency in the gnomAD v4.1.0 dataset (total allele frequency: <0.001%). Predicted Consequence/Location: Missense variant In silico tool predictions suggest damaging effect of the variant on gene or gene product [REVEL: 0.94 (>=0.6, sensitivity 0.68 and specificity 0.92); 3Cnet: 0.99 (> 0.75, sensitivity 0.96 and precision 0.92)]. The same nucleotide change resulting in the same amino acid change has been previously reported as pathogenic/likely pathogenic with strong evidence (ClinVar ID: VCV000043437 /PMID: 24691700). A different missense change at the same codon (p.Ala242Thr) has been reported to be associated with TPM1-related disorder (ClinVar ID: VCV004085578). Therefore, this variant is classified as Likely pathogenic according to the recommendation of ACMG/AMP guideline.

GeneDx
Classification: Likely pathogenic. Last evaluated: 2025-07-29. Review status: criteria provided, single submitter. Criteria: GeneDx Variant Classification Process June 2021. Collection method: clinical testing. Allele origin: germline. Affected: yes.
Comment: Not observed at significant frequency in large population cohorts (gnomAD); In silico analysis supports that this missense variant has a deleterious effect on protein structure/function; This variant is associated with the following publications: (PMID: 24503780, 36178741, 30847666, 28798025, 35029218, 31983221, Kudryavtseva2022[CaseReport], 31397097, 38874371, 24691700, 27532257, 34935411, 34819141, 30371277, 37342443)

Labcorp Genetics (formerly Invitae), Labcorp
Classification: Pathogenic for Hypertrophic cardiomyopathy. Last evaluated: 2025-06-09. Review status: criteria provided, single submitter. Criteria: Invitae Variant Classification Sherloc (09022015). Collection method: clinical testing. Allele origin: germline.
Comment: This sequence change replaces alanine, which is neutral and non-polar, with valine, which is neutral and non-polar, at codon 242 of the TPM1 protein (p.Ala242Val). This variant is present in population databases (rs397516387, gnomAD 0.0009%). This missense change has been observed in individual(s) with dilated cardiomyopathy and/or left ventricular noncompaction (PMID: 24691700, 27532257, 30847666, 34935411; internal data). In at least one individual the variant was observed to be de novo. ClinVar contains an entry for this variant (Variation ID: 43437). An algorithm developed to predict the effect of missense changes on protein structure and function (PolyPhen-2) suggests that this variant is likely to be disruptive. For these reasons, this variant has been classified as Pathogenic.

All of Us Research Program, National Institutes of Health
Classification: Uncertain significance for Hypertrophic cardiomyopathy. Last evaluated: 2024-08-30. Review status: criteria provided, single submitter. Criteria: ACMG Guidelines, 2015. Collection method: clinical testing. Allele origin: germline. Inheritance: Autosomal dominant inheritance. Observed: 1 variant allele, 1 heterozygote.
Comment: This missense variant replaces alanine with valine at codon 242 in the alternate splicing region of the TPM1 protein. Computational prediction tools indicate that this variant has a deleterious impact on protein structure and function. To our knowledge, functional studies have not been reported for this variant. This variant has been reported in individuals affected with dilated cardiomyopathy (PMID: 24503780, 27532257, 30847666, 34935411, 36178741); in one instance, this variant was reported to occur de novo (PMID: 36178741). This variant has also been reported in individuals affected with left ventricular noncompaction cardiomyopathy (PMID: 24691700, 28798025, 30371277, 37342443). One of these individuals also carried a truncating variant in the TTN gene (PMID: 28798025). It has been shown that this variant segregates with disease in five affected individuals from one family affected with left ventricular noncompaction cardiomyopathy (PMID: 37342443). This variant has been identified in 1/251462 chromosomes in the general population by the Genome Aggregation Database (gnomAD). While this variant has been shown to be associated with dilated cardiomyopathy and left ventricular noncompaction cardiomyopathy (ClinVar variation ID: 43437), additional studies are necessary to determine the role of this variant in autosomal dominant hypertrophic cardiomyopathy. Therefore, this variant is classified as a Variant of Uncertain Significance.

This study involves interpretation of variants in research participants for the purpose of population health screening. Participant phenotype was not available at the time of variant classification. Additional details can be found in publication PMID: 35346344, PMCID: PMC8962531

Ambry Genetics
Classification: Likely pathogenic for Cardiovascular phenotype. Last evaluated: 2023-08-25. Review status: criteria provided, single submitter. Criteria: Ambry General Variant Classification Scheme_2022. Collection method: clinical testing. Allele origin: germline.
Comment: The p.A242V variant (also known as c.725C>T), located in coding exon 8 of the TPM1 gene, results from a C to T substitution at nucleotide position 725. The alanine at codon 242 is replaced by valine, an amino acid with similar properties. This variant has been detected in several unrelated individuals with dilated cardiomyopathy (DCM) and/or left ventricular noncompaction cardiomyopathy (LVNC), including a reported de novo occurrence and reported segregation with disease in a family (Pugh TJ et al. Genet Med, 2014 Aug;16:601-8; Tian T et al. Heart Vessels, 2015 Mar;30:258-64; Miszalski-Jamka K et al. Circ Cardiovasc Genet, 2017 Aug;10; van Lint FHM et al. Neth Heart J, 2019 Jun;27:304-309; Khan RS et al. J Am Heart Assoc, 2022 Jan;11:e022854; van der Meulen MH et al. Circ Genom Precis Med, 2022 Oct;15:e002981; Meshkov AN et al. Front Cardiovasc Med, 2023 May;10:1205787). This variant is considered to be rare based on population cohorts in the Genome Aggregation Database (gnomAD). This missense alteration is located in a region that has a low rate of benign missense variation (Lek M et al. Nature. 2016 Aug 18;536(7616):285-91; DECIPHER: Database of Chromosomal Imbalance and Phenotype in Humans using Ensembl Resources. Firth H.V. et al. 2009. Am.J.Hum.Genet. 84, 524-533 (DOI)). This amino acid position is highly conserved in available vertebrate species. In addition, this alteration is predicted to be deleterious by in silico analysis. Based on the majority of available evidence to date, this variant is likely to be pathogenic.

Clinical Center for Gene Diagnosis and Therapy, Department of Cardiovascular Surgery, The Second Xiangya Hospital of Central South University
Classification: Likely pathogenic for Primary dilated cardiomyopathy. Last evaluated: 2023-06-01. Review status: criteria provided, single submitter. Criteria: ACMG Guidelines, 2015. Collection method: clinical testing. Allele origin: germline. Affected: yes.

Laboratory for Molecular Medicine, Mass General Brigham Personalized Medicine
Classification: Uncertain significance for Primary dilated cardiomyopathy. Last evaluated: 2023-05-12. Review status: criteria provided, single submitter. Criteria: ACMG Guidelines, 2015. Collection method: clinical testing. Allele origin: germline. Inheritance: Autosomal dominant inheritance.
Comment: The p.Ala242Val variant in TPM1 has been reported in at least 5 individuals with dilated cardiomyopathy (DCM; Walsh 2017 PMID: 27532257, Van Lint 2019 PMID: 30847666, Khan 2022 PMID: 34935411, LMM data), in at least 2 individuals with left ventricular non-compaction (LVNC; Tian 2015 PMID: 24691700, Li 2018 PMID: 30371277, Miszalski-Jamka 2018 PMID: 28798025) and in 1 individual with left ventricular dysfunction and unspecified cardiomyopathy in whom the variant occurred de novo (Invitae Personal Communication 2023). This variant has also been reported by other clinical laboratories in ClinVar (Variation ID 43437) and was absent from large population studies. Computational prediction tools and conservation analyses suggest that this variant may impact the protein, though this information is not predictive enough to determine pathogenicity. In summary, while there is some suspicion for a pathogenic role, the clinical significance of this variant is uncertain. ACMG/AMP Criteria applied: PS4_Moderate, PM2_Supporting, PS2_Supporting, PP3.

Blueprint Genetics
Classification: Uncertain significance. Last evaluated: 2020-07-29. Review status: criteria provided, single submitter. Criteria: ACMG Guidelines, 2015. Collection method: clinical testing. Allele origin: germline.

New York Genome Center
Classification: Likely pathogenic for Dilated cardiomyopathy 1Y. Last evaluated: 2020-07-17. Review status: criteria provided, single submitter. Criteria: NYGC Assertion Criteria 2020. Collection method: clinical testing. Allele origin: germline. Affected: yes. Observed: 1 heterozygote. Study: CSER-NYCKidSeq.
Comment: The heterozygous c.725C>T (p.Ala242Val) variant identified in the TPM1 gene substitutes a well conserved Alanine for Valine at amino acid 242/285 (exon 8/10). This variant is absent from gnomAD(v3.0) suggesting it is not a common benign variant in the populations represented in that database. In silico algorithms predict this variant to be Deleterious (Provean; score:-3.3) and Damaging (SIFT; score:0.00) to the function of the canonical transcript. This variant is reported in ClinVar as a Variant of Uncertain Significance (VarID:43437), and has been identified in several individuals in the literature with left ventricular non-compaction [PMID:24691700; PMID:30371277; PMID:28798025] and dilated cardiomyopathy [PMID:27532257; PMID:24503780; PMID:30847666]. Given its absence in population databases, in silico prediction of damaging effect to protein function, and its observation in several affected individuals in the literature, the heterozygous c.725C>T (p.Ala242Val) variant identified in the TPM1 gene is reported as Likely Pathogenic.

Clinical Genetics, Academic Medical Center
Classification: Likely pathogenic. Review status: no assertion criteria provided. Collection method: clinical testing. Allele origin: germline. Affected: yes. Study: VKGL Data-share Consensus. Not counted in ClinVar's aggregate classification.

Diagnostic Laboratory, Department of Genetics, University Medical Center Groningen
Classification: Likely pathogenic. Review status: no assertion criteria provided. Collection method: clinical testing. Allele origin: germline. Affected: yes. Study: VKGL Data-share Consensus. Not counted in ClinVar's aggregate classification.

Literature cited by the submitters: PubMed 24691700 (cited by 5 submitters); PubMed 27532257 (cited by Labcorp Genetics (formerly Invitae), Labcorp and All of Us Research Program, National Institutes of Health); PubMed 30847666 (cited by 3 submitters); PubMed 34935411 (cited by 3 submitters); PubMed 24503780 (cited by All of Us Research Program, National Institutes of Health and Ambry Genetics); PubMed 28798025 (cited by All of Us Research Program, National Institutes of Health and Ambry Genetics); PubMed 30371277 (cited by All of Us Research Program, National Institutes of Health); PubMed 36178741 (cited by All of Us Research Program, National Institutes of Health and Ambry Genetics); PubMed 37342443 (cited by All of Us Research Program, National Institutes of Health and Ambry Genetics).

NM_001018005.2(TPM1):c.725C>T (p.Ala242Val)

Gene: TPM1 (tropomyosin 1; plus strand). Cytogenetic location: 15q22.2.
Variant type: single nucleotide variant.
Coding change: c.725C>T on transcript NM_001018005.2 (MANE Select); coding-DNA position 725, C replaced by T.
Protein change: p.Ala242Val; replaces alanine 242 with valine.
Molecular consequence: missense variant.
Genome position (GRCh38, 1-based): chr15:63,062,598, C>T. VCF-style: chr15-63062598-C-T. GRCh37 (hg19) VCF-style: chr15-63354797-C-T.
Other names: c.725C>T, p.Ala242Val (NM_000366.6, NM_001018004.2, NM_001018006.2 and 6 more transcripts); c.617C>T, p.Ala206Val (NM_001018008.2, NM_001301289.2, NM_001330344.2 and 5 more transcripts); c.851C>T, p.Ala284Val (NM_001365778.1); short protein forms A242V, A206V, A284V.
Identifiers: ClinVar variation 43437 (VCV000043437.33), dbSNP rs397516387, ClinGen allele CA018297.